The following is an entry in ClinVar:

ClinVar aggregate classification (germline): Conflicting classifications of pathogenicity. Review status: criteria provided, conflicting classifications (1 of 4 stars). 2 submissions from 2 submitters: Uncertain significance (1); Likely benign (1). Last evaluated 2025-06-17.

Allele frequency attached by ClinVar (database versions not stated): gnomAD 0.00001.
gnomAD v4.1: 1 of 1,614,082 alleles (0.000062%); highest among the groups gnomAD compares: East Asian, 0.0022%; no homozygotes.

Submissions (2):

Labcorp Genetics (formerly Invitae), Labcorp
Classification: Likely benign. Last evaluated: 2025-06-17. Review status: criteria provided, single submitter. Criteria: Invitae Variant Classification Sherloc (09022015). Collection method: clinical testing. Allele origin: germline.

GeneDx
Classification: Uncertain significance. Last evaluated: 2017-06-05. Review status: criteria provided, single submitter. Criteria: GeneDx Variant Classification (06012015). Collection method: clinical testing. Allele origin: germline. Affected: yes.
Comment: The c.669 C>T variant in the ADNP gene has not been reported previously as a pathogenic variantnor as a benign variant, to our knowledge. In-silico slice prediction models predict that c.669 C>Tmay create a cryptic splice donor site in exon 5 that could supplant the natural splice donor site.However, in the absence of RNA/functional studies, the actual effect of the c.669 C>T change in thisindividual is unknown. The c.669 C>T variant is not observed in large population cohorts (Lek et al.,2016; 1000 Genomes Consortium et al., 2015; Exome Variant Server). We interpret c.669 C>T as avariant of uncertain significance that may be related to the intellectual disability reported in thisindividual.

NM_001282531.3(ADNP):c.669C>T (p.Cys223=)

Gene: ADNP (activity dependent neuroprotector homeobox; minus strand). Cytogenetic location: 20q13.13.
Variant type: single nucleotide variant.
Coding change: c.669C>T on transcript NM_001282531.3 (MANE Select); coding-DNA position 669, C replaced by T.
Protein change: p.Cys223=; no amino-acid change (cysteine 223 retained).
Molecular consequence: synonymous variant.
Genome position (GRCh38, 1-based): chr20:50,894,045, G>A on the plus strand (C>T on the coding strand, the complement: ADNP is on the minus strand). VCF-style: chr20-50894045-G-A. GRCh37 (hg19) VCF-style: chr20-49510582-G-A.
Other names: c.669C>T, p.Cys223= (NM_001282532.2, NM_001347511.2, NM_015339.5 and 1 more transcripts).
Identifiers: ClinVar variation 432769 (VCV000432769.4), dbSNP rs1464452152, ClinGen allele CA511022110.
Genomic context (GRCh38, chr20:50,894,045, plus strand): 5'-GTCTTCGATGACATGCTGTACCAAAGCTTCATAGGACTTTGGCATGAAAAGGCATCGCTT[G>A]CAGTGAATACTACTCTCTTCTCGGGCATTCGAGCCTAAGGGGACTGCCCCATTGAGTGAT-3'
Protein context (NP_001269460.1, residues 213-233): SNAREESSIH[Cys223=]KRCLFMPKSY